The following is an entry in ClinVar:

NM_001292034.3(TAB2):c.1154C>T (p.Pro385Leu)

Genes: TAB2 (TGF-beta activated kinase 1 (MAP3K7) binding protein 2; plus strand), LOC126859827 (BRD4-independent group 4 enhancer GRCh37_chr6:149699707-149700906; plus strand). Cytogenetic location: 6q25.1.
Variant type: single nucleotide variant.
Coding change: c.1154C>T on transcript NM_001292034.3 (MANE Select); coding-DNA position 1154, C replaced by T.
Protein change: p.Pro385Leu; replaces proline 385 with leucine.
Molecular consequence: missense variant.
Genome position (GRCh38, 1-based): chr6:149,379,069, C>T. VCF-style: chr6-149379069-C-T. GRCh37 (hg19) VCF-style: chr6-149700205-C-T.
Other names: c.1058C>T, p.Pro353Leu (NM_001292035.3); c.1154C>T, p.Pro385Leu (NM_001369506.1, NM_015093.6); short protein forms P353L, P385L.
Identifiers: ClinVar variation 1032655 (VCV001032655.1), dbSNP rs71568273, ClinGen allele CA149917271.

ClinVar aggregate classification (germline): Uncertain significance (1 of 4 stars; one submission).

Conditions:
Congenital heart defects, multiple types, 2 (CHTD2). Also called: Congenital heart defects, nonsyndromic, 2. Identifiers: Orphanet 664401, MedGen C3554279, MONDO:0014000, OMIM 614980.

Submission:

Baylor Genetics
Classification: Uncertain significance for Congenital heart defects, multiple types, 2. Last evaluated: 2018-10-19. Review status: criteria provided, single submitter. Criteria: ACMG Guidelines, 2015. Collection method: clinical testing. Allele origin: unknown. Affected: yes.
Comment: This variant was determined to be of uncertain significance according to ACMG Guidelines, 2015 [PMID:25741868].